The following is an entry in ClinVar:

NM_201253.3(CRB1):c.3317A>G (p.Tyr1106Cys)

Gene: CRB1 (crumbs cell polarity complex component 1; plus strand). Cytogenetic location: 1q31.3.
Variant type: single nucleotide variant.
Coding change: c.3317A>G on transcript NM_201253.3 (MANE Select); coding-DNA position 3317, A replaced by G.
Protein change: p.Tyr1106Cys; replaces tyrosine 1106 with cysteine.
Molecular consequence: missense variant. On other transcripts: non-coding transcript variant (2), intron variant (1).
Genome position (GRCh38, 1-based): chr1:197,435,180, A>G. VCF-style: chr1-197435180-A-G. GRCh37 (hg19) VCF-style: chr1-197404310-A-G.
Other names: c.2981A>G, p.Tyr994Cys (NM_001193640.2); c.3245A>G, p.Tyr1082Cys (NM_001257965.2); c.2129-420A>G (NM_001257966.2); short protein forms Y1106C, Y994C, Y1082C.
Identifiers: ClinVar variation 199199 (VCV000199199.11), dbSNP rs115649214, ClinGen allele CA248281.

ClinVar aggregate classification (germline): Uncertain significance. Review status: criteria provided, multiple submitters, no conflicts (2 of 4 stars). 6 submissions from 4 submitters: Uncertain significance (6). Last evaluated 2023-04-11.

Conditions:
Leber congenital amaurosis 8 (LCA8). Identifiers: Orphanet 65, MedGen C3151202, MONDO:0013453, OMIM 613835.
Retinitis pigmentosa 12 (RP12). Also called: RP WITH OR WITHOUT PPRPE; RP WITH OR WITHOUT PRESERVED PARAARTERIOLE RETINAL PIGMENT EPITHELIUM; RETINITIS PIGMENTOSA WITH OR WITHOUT PARAARTERIOLAR PRESERVATION OF RETINAL PIGMENT EPITHELIUM. Identifiers: Orphanet 791, MedGen C1838647, MONDO:0010818, OMIM 600105.
Pigmented paravenous retinochoroidal atrophy. Identifiers: Orphanet 251295, MedGen C1868310, MONDO:0008246, OMIM 172870.

Allele frequency attached by ClinVar (database versions not stated): gnomAD 0.00001 and 0.00003; TOPMed 0.00002; 1000 Genomes Project 0.00040; 1000 Genomes Project 30x 0.00047.
gnomAD v4.1: 13 of 1,613,944 alleles (0.00081%); highest among the groups gnomAD compares: African/African-American, 0.0093%; no homozygotes.

Submissions (6):

Genome-Nilou Lab
Classification: Uncertain significance for Leber congenital amaurosis 8. Last evaluated: 2023-04-11. Review status: criteria provided, single submitter. Criteria: ACMG Guidelines, 2015. Collection method: clinical testing. Allele origin: germline. Affected: no.

Genome-Nilou Lab
Classification: Uncertain significance for Pigmented paravenous retinochoroidal atrophy. Last evaluated: 2023-04-11. Review status: criteria provided, single submitter. Criteria: ACMG Guidelines, 2015. Collection method: clinical testing. Allele origin: germline. Affected: no.

Genome-Nilou Lab
Classification: Uncertain significance for Retinitis pigmentosa 12. Last evaluated: 2023-04-11. Review status: criteria provided, single submitter. Criteria: ACMG Guidelines, 2015. Collection method: clinical testing. Allele origin: germline. Affected: no.

Labcorp Genetics (formerly Invitae), Labcorp
Classification: Uncertain significance for Leber congenital amaurosis 8; Retinitis pigmentosa 12. Last evaluated: 2022-07-26. Review status: criteria provided, single submitter. Criteria: Invitae Variant Classification Sherloc (09022015). Collection method: clinical testing. Allele origin: germline.
Comment: This sequence change replaces tyrosine, which is neutral and polar, with cysteine, which is neutral and slightly polar, at codon 1106 of the CRB1 protein (p.Tyr1106Cys). This variant is present in population databases (rs115649214, gnomAD 0.007%). This missense change has been observed in individual(s) with retinitis pigmentosa (Invitae). ClinVar contains an entry for this variant (Variation ID: 199199). Advanced modeling of protein sequence and biophysical properties (such as structural, functional, and spatial information, amino acid conservation, physicochemical variation, residue mobility, and thermodynamic stability) performed at Invitae indicates that this missense variant is expected to disrupt CRB1 protein function. In summary, the available evidence is currently insufficient to determine the role of this variant in disease. Therefore, it has been classified as a Variant of Uncertain Significance.

Blueprint Genetics
Classification: Uncertain significance. Last evaluated: 2021-09-10. Review status: criteria provided, single submitter. Criteria: ACMG Guidelines, 2015. Collection method: clinical testing. Allele origin: germline.

Eurofins Ntd Llc (ga)
Classification: Uncertain significance. Last evaluated: 2015-02-24. Review status: criteria provided, single submitter. Criteria: EGL Classification Definitions 2015. Collection method: clinical testing. Allele origin: germline. Observed: 1 variant allele, 1 heterozygote.